The following is an entry in ClinVar:

NM_018669.6(WDR4):c.1093T>C (p.Phe365Leu)

Gene: WDR4 (WDR4 tRNA N7-guanosine methyltransferase non-catalytic subunit; minus strand). Cytogenetic location: 21q22.3.
Variant type: single nucleotide variant.
Coding change: c.1093T>C on transcript NM_018669.6 (MANE Select); coding-DNA position 1093, T replaced by C.
Protein change: p.Phe365Leu; replaces phenylalanine 365 with leucine.
Molecular consequence: missense variant. On other transcripts: non-coding transcript variant (1).
Genome position (GRCh38, 1-based): chr21:42,850,195, A>G on the plus strand (T>C on the coding strand, the complement: WDR4 is on the minus strand). VCF-style: chr21-42850195-A-G. GRCh37 (hg19) VCF-style: chr21-44270305-A-G.
Other names: c.1090T>C, p.Phe364Leu (NM_001260474.2); c.655T>C, p.Phe219Leu (NM_001260475.2, NM_001260476.2, NM_001260477.2); c.1093T>C, p.Phe365Leu (NM_033661.5); short protein forms F365L, F364L, F219L.
Identifiers: ClinVar variation 3701350 (VCV003701350.2).

ClinVar aggregate classification (germline): Uncertain significance (1 of 4 stars; one submission).

Submission:

Labcorp Genetics (formerly Invitae), Labcorp
Classification: Uncertain significance. Last evaluated: 2024-06-25. Review status: criteria provided, single submitter. Criteria: Invitae Variant Classification Sherloc (09022015). Collection method: clinical testing. Allele origin: germline.
Comment: This sequence change replaces phenylalanine, which is neutral and non-polar, with leucine, which is neutral and non-polar, at codon 365 of the WDR4 protein (p.Phe365Leu). This variant is not present in population databases (gnomAD no frequency). This variant has not been reported in the literature in individuals affected with WDR4-related conditions. An algorithm developed to predict the effect of missense changes on protein structure and function (PolyPhen-2) suggests that this variant is likely to be tolerated. In summary, the available evidence is currently insufficient to determine the role of this variant in disease. Therefore, it has been classified as a Variant of Uncertain Significance.